The following is an entry in ClinVar:

NM_001378120.1(MBD5):c.629A>G (p.Gln210Arg)

Gene: MBD5 (methyl-CpG binding domain protein 5; plus strand). Cytogenetic location: 2q23.1.
Variant type: single nucleotide variant.
Coding change: c.629A>G on transcript NM_001378120.1 (MANE Select); coding-DNA position 629, A replaced by G.
Protein change: p.Gln210Arg; replaces glutamine 210 with arginine.
Molecular consequence: missense variant.
Genome position (GRCh38, 1-based): chr2:148,468,572, A>G. VCF-style: chr2-148468572-A-G. GRCh37 (hg19) VCF-style: chr2-149226141-A-G.
Other names: c.629A>G, p.Gln210Arg (NM_018328.5); short protein forms Q210R.
Identifiers: ClinVar variation 2101253 (VCV002101253.4), dbSNP rs998102330, ClinGen allele CA57577283.

ClinVar aggregate classification (germline): Uncertain significance (1 of 4 stars; one submission).

Conditions:
Intellectual developmental disorder, autosomal dominant 1. Also called: Intellectual disability, autosomal dominant 1; MBD5 Haploinsufficiency. Identifiers: Orphanet 228402, MedGen C1969562, MONDO:0007974, OMIM 156200.

Allele frequency attached by ClinVar (database versions not stated): gnomAD exomes below 0.00001; TOPMed below 0.00001; gnomAD 0.00002.
gnomAD v4.1: 5 of 1,613,852 alleles (0.00031%); highest among the groups gnomAD compares: African/African-American, 0.0067%; no homozygotes.

Submission:

Labcorp Genetics (formerly Invitae), Labcorp
Classification: Uncertain significance for Intellectual developmental disorder, autosomal dominant 1. Last evaluated: 2023-05-23. Review status: criteria provided, single submitter. Criteria: Invitae Variant Classification Sherloc (09022015). Collection method: clinical testing. Allele origin: germline.
Comment: Advanced modeling of protein sequence and biophysical properties (such as structural, functional, and spatial information, amino acid conservation, physicochemical variation, residue mobility, and thermodynamic stability) performed at Invitae indicates that this missense variant is not expected to disrupt MBD5 protein function. In summary, the available evidence is currently insufficient to determine the role of this variant in disease. Therefore, it has been classified as a Variant of Uncertain Significance. ClinVar contains an entry for this variant (Variation ID: 2101253). This variant has not been reported in the literature in individuals affected with MBD5-related conditions. This variant is not present in population databases (gnomAD no frequency). This sequence change replaces glutamine, which is neutral and polar, with arginine, which is basic and polar, at codon 210 of the MBD5 protein (p.Gln210Arg).